The following is an entry in ClinVar:

ClinVar aggregate classification (germline): Uncertain significance (1 of 4 stars; one submission).

Allele frequency attached by ClinVar (database versions not stated): ExAC 0.00004; gnomAD exomes below 0.00001; TOPMed below 0.00001; gnomAD 0.00001.
gnomAD v4.1: 3 of 1,570,970 alleles (0.00019%); highest among the groups gnomAD compares: South Asian, 0.0023%; no homozygotes.

Submission:

Labcorp Genetics (formerly Invitae), Labcorp
Classification: Uncertain significance. Last evaluated: 2025-03-27. Review status: criteria provided, single submitter. Criteria: Invitae Variant Classification Sherloc (09022015). Collection method: clinical testing. Allele origin: germline.
Comment: This sequence change replaces alanine, which is neutral and non-polar, with valine, which is neutral and non-polar, at codon 2035 of the DSCAML1 protein (p.Ala2035Val). The frequency data for this variant in the population databases is considered unreliable, as metrics indicate poor data quality at this position in the gnomAD database. This variant has not been reported in the literature in individuals affected with DSCAML1-related conditions. ClinVar contains an entry for this variant (Variation ID: 3004173). An algorithm developed to predict the effect of missense changes on protein structure and function (PolyPhen-2) suggests that this variant is likely to be tolerated. In summary, the available evidence is currently insufficient to determine the role of this variant in disease. Therefore, it has been classified as a Variant of Uncertain Significance.

NM_020693.4(DSCAML1):c.5924C>T (p.Ala1975Val)

Gene: DSCAML1 (DS cell adhesion molecule like 1; minus strand). Cytogenetic location: 11q23.3.
Variant type: single nucleotide variant.
Coding change: c.5924C>T on transcript NM_020693.4 (MANE Select); coding-DNA position 5924, C replaced by T.
Protein change: p.Ala1975Val; replaces alanine 1975 with valine.
Molecular consequence: missense variant.
Genome position (GRCh38, 1-based): chr11:117,428,566, G>A on the plus strand (C>T on the coding strand, the complement: DSCAML1 is on the minus strand). VCF-style: chr11-117428566-G-A. GRCh37 (hg19) VCF-style: chr11-117299282-G-A.
Other names: short protein forms A1975V.
Identifiers: ClinVar variation 3004173 (VCV003004173.3), dbSNP rs777851211, ClinGen allele CA6295929.
Genomic context (GRCh38, chr11:117,428,566, plus strand): 5'-GGCTCAGCAGGGGTGGGGCCGGGGGCTGGGGGGGCTGTGCCGGCTGGGGGGGCTGGCATG[G>A]CCAGAGTCCTCTGAGGTAAGGTGGCTGTGGAGGCGGCAGCGGGGGCCCCTGGGTGGGGAA-3'
Protein context (NP_065744.3, residues 1965-1985): STATLPQRTL[Ala1975Val]MPAPPAGTAP